The following is an entry in ClinVar:

ClinVar aggregate classification (germline): Likely benign. Review status: criteria provided, single submitter (1 of 4 stars). 2 submissions from 2 submitters: Likely benign (1). 1 of the submissions does not count toward it. Last evaluated 2021-08-07.

Conditions:
SMPD1-related disorder. Also called: SMPD1-related condition.
Niemann-Pick disease, type B. Also called: Chronic Visceral ASMD (Niemann-Pick Disease Type B; NPD-B). Identifiers: Orphanet 77293, MedGen C0268243, MONDO:0011871, OMIM 607616. Disease mechanism: loss of function.
Niemann-Pick disease, type A. Also called: SPHINGOMYELIN LIPIDOSIS; SPHINGOMYELINASE DEFICIENCY; Infantile Neurovisceral ASMD (Niemann-Pick Disease Type A; NPD-A). Identifiers: Orphanet 77292, MedGen C0268242, MONDO:0009756, OMIM 257200. Disease mechanism: loss of function.

Allele frequency attached by ClinVar (database versions not stated): TOPMed below 0.00001; gnomAD 0.00001.

Submissions (2):

Labcorp Genetics (formerly Invitae), Labcorp
Classification: Likely benign for Niemann-Pick disease, type B; Niemann-Pick disease, type A. Last evaluated: 2021-08-07. Review status: criteria provided, single submitter. Criteria: Invitae Variant Classification Sherloc (09022015). Collection method: clinical testing. Allele origin: germline.

PreventionGenetics, part of Exact Sciences
Classification: Likely benign for SMPD1-related condition. Last evaluated: 2022-05-11. Review status: no assertion criteria provided. Collection method: clinical testing. Allele origin: germline. Not counted in ClinVar's aggregate classification.
Comment: This variant is classified as likely benign based on ACMG/AMP sequence variant interpretation guidelines (Richards et al. 2015 PMID: 25741868, with internal and published modifications).

NM_000543.5(SMPD1):c.1194C>A (p.Ser398=)

Gene: SMPD1 (sphingomyelin phosphodiesterase 1; plus strand). Cytogenetic location: 11p15.4.
Variant type: single nucleotide variant.
Coding change: c.1194C>A on transcript NM_000543.5 (MANE Select); coding-DNA position 1194, C replaced by A.
Protein change: p.Ser398=; no amino-acid change (serine 398 retained).
Molecular consequence: synonymous variant. On other transcripts: non-coding transcript variant (1), intron variant (1).
Genome position (GRCh38, 1-based): chr11:6,393,318, C>A. VCF-style: chr11-6393318-C-A. GRCh37 (hg19) VCF-style: chr11-6414548-C-A.
Other names: c.1191C>A, p.Ser397= (NM_001007593.3); c.1194C>A, p.Ser398= (NM_001318087.2); c.273C>A, p.Ser91= (NM_001318088.2); c.1132-299C>A (NM_001365135.2); c.1194C>A (NM_000543.4).
Identifiers: ClinVar variation 1534142 (VCV001534142.10), dbSNP rs967970847, ClinGen allele CA472736719.